The following is an entry in ClinVar:

ClinVar aggregate classification (germline): Uncertain significance (1 of 4 stars; one submission).

Submission:

GeneDx
Classification: Uncertain significance. Last evaluated: 2024-09-29. Review status: criteria provided, single submitter. Criteria: GeneDx Variant Classification Process June 2021. Collection method: clinical testing. Allele origin: germline. Affected: yes.
Comment: Not observed at significant frequency in large population cohorts (gnomAD); In silico analysis supports that this missense variant has a deleterious effect on protein structure/function; Has not been previously published as pathogenic or benign to our knowledge

NM_012082.4(ZFPM2):c.541C>T (p.Leu181Phe)

Genes: ZFPM2 (zinc finger protein, FOG family member 2; plus strand), ZFPM2-AS1 (ZFPM2 antisense RNA 1; minus strand). Cytogenetic location: 8q23.1.
Variant type: single nucleotide variant.
Coding change: c.541C>T on transcript NM_012082.4 (MANE Select); coding-DNA position 541, C replaced by T.
Protein change: p.Leu181Phe; replaces leucine 181 with phenylalanine.
Molecular consequence: missense variant.
Genome position (GRCh38, 1-based): chr8:105,788,726, C>T. VCF-style: chr8-105788726-C-T. GRCh37 (hg19) VCF-style: chr8-106800954-C-T.
Other names: c.382C>T, p.Leu128Phe (NM_001362836.2); c.145C>T, p.Leu49Phe (NM_001362837.2); short protein forms L128F, L181F, L49F.
Identifiers: ClinVar variation 3774858 (VCV003774858.1).
Genomic context (GRCh38, chr8:105,788,726, plus strand): 5'-AGACTCAAGCATCCTATGTCAATTTTATCTTTTTCTTTTTTCTTCTTAATAGGGGGTCAG[C>T]TTTGGTGTACAACTACGAAGGCCATCTCTGAGGGTGAAGAGCTAATTGCCTTTGTGGTGG-3'
Protein context (NP_036214.2, residues 171-191): NCIVYSKGGQ[Leu181Phe]WCTTTKAISE